The following is an entry in ClinVar:

ClinVar aggregate classification (germline): Likely benign. Review status: criteria provided, multiple submitters, no conflicts (2 of 4 stars). 2 submissions from 2 submitters: Likely benign (2). Last evaluated 2026-02-01.

gnomAD v4.1: 620 of 1,614,218 alleles (0.038%); highest among the groups gnomAD compares: Non-Finnish European, 0.036%; no homozygotes.

Submissions (2):

CeGaT Center for Human Genetics Tuebingen
Classification: Likely benign. Last evaluated: 2026-02-01. Review status: criteria provided, single submitter. Criteria: CeGaT Center For Human Genetics Tuebingen Variant Classification Criteria Version 2. Collection method: clinical testing. Allele origin: germline. Affected: yes. Observed: 1 variant allele.
Comment: CHD5: BP4, BP7

Blueprint Genetics
Classification: Likely benign. Last evaluated: 2024-11-22. Review status: criteria provided, single submitter. Criteria: ACMG Guidelines, 2015. Collection method: clinical testing. Allele origin: germline.

NM_015557.3(CHD5):c.2337C>T (p.Thr779=)

Gene: CHD5 (chromodomain helicase DNA binding protein 5; minus strand). Cytogenetic location: 1p36.31.
Variant type: single nucleotide variant.
Coding change: c.2337C>T on transcript NM_015557.3 (MANE Select); coding-DNA position 2337, C replaced by T.
Protein change: p.Thr779=; no amino-acid change (threonine 779 retained).
Molecular consequence: synonymous variant.
Genome position (GRCh38, 1-based): chr1:6,142,227, G>A on the plus strand (C>T on the coding strand, the complement: CHD5 is on the minus strand). VCF-style: chr1-6142227-G-A. GRCh37 (hg19) VCF-style: chr1-6202287-G-A.
Identifiers: ClinVar variation 4821127 (VCV004821127.5).